The following is an entry in ClinVar:

GRCh37/hg19 21q22.3(chr21:46797010-46915065)x1

Gene: COL18A1 (collagen type XVIII alpha 1 chain; plus strand). Cytogenetic location: 21q22.3.
Variant type: copy number loss.
Change: copy number 1 (one copy instead of two) of chr21:46,797,010-46,915,065 (118.1 kb, GRCh37 coordinates, 1-based), cytogenetic band 21q22.3.
Identifiers: ClinVar variation 1339965 (VCV001339965.1).

ClinVar aggregate classification (germline): Likely pathogenic (0 of 4 stars; one submission).

Submission:

Quest Diagnostics Nichols Institute San Juan Capistrano
Classification: Likely pathogenic. Last evaluated: 2020-11-20. Review status: no assertion criteria provided. Collection method: clinical testing. Allele origin: germline.
Comment: The copy number loss of 2q33.1 involves several exons of the 5-prime portion of SATB2 (exons 1-5 of 11; NM_015265.3) (OMIM 608148), and is expected to cause phenotypic and/or developmental abnormalities. Haploinsufficiency of SATB2 is associated with intellectual disability, cleft palate (reduced penetrance), and tooth abnormalities (variable expressivity), referred to as SATB2-associted syndrome or Glass syndrome (OMIM 612313).